The following is an entry in ClinVar:

NM_001379500.1(COL18A1):c.2502C>T (p.Gly834=)

Gene: COL18A1 (collagen type XVIII alpha 1 chain; plus strand). Cytogenetic location: 21q22.3.
Variant type: single nucleotide variant.
Coding change: c.2502C>T on transcript NM_001379500.1 (MANE Select); coding-DNA position 2502, C replaced by T.
Protein change: p.Gly834=; no amino-acid change (glycine 834 retained).
Molecular consequence: synonymous variant.
Genome position (GRCh38, 1-based): chr21:45,495,426, C>T. VCF-style: chr21-45495426-C-T. GRCh37 (hg19) VCF-style: chr21-46915340-C-T.
Other names: c.3042C>T, p.Gly1014= (NM_030582.4); c.3747C>T, p.Gly1249= (NM_130444.3); c.3042C>T (NM_030582.3).
Identifiers: ClinVar variation 1553087 (VCV001553087.9), dbSNP rs562671437, ClinGen allele CA10067118.

ClinVar aggregate classification (germline): Conflicting classifications of pathogenicity. Review status: criteria provided, conflicting classifications (1 of 4 stars). 2 submissions from 2 submitters: Uncertain significance (1); Likely benign (1). Last evaluated 2025-12-15.

Conditions:
COL18A1-related disorder. Also called: COL18A1-related condition; COL18A1-related disorders.

Allele frequency attached by ClinVar (database versions not stated): gnomAD exomes below 0.00001 and 0.00002; ExAC 0.00004; gnomAD 0.00005; TOPMed 0.00005; 1000 Genomes Project 0.00040; 1000 Genomes Project 30x 0.00047.
gnomAD v4.1: 11 of 1,608,976 alleles (0.00068%); highest among the groups gnomAD compares: African/African-American, 0.012%; no homozygotes.

Submissions (2):

Labcorp Genetics (formerly Invitae), Labcorp
Classification: Likely benign. Last evaluated: 2025-12-15. Review status: criteria provided, single submitter. Criteria: Invitae Variant Classification Sherloc (09022015). Collection method: clinical testing. Allele origin: germline.

PreventionGenetics, part of Exact Sciences
Classification: Uncertain significance for COL18A1-related condition. Last evaluated: 2025-07-30. Review status: criteria provided, single submitter. Criteria: ACMG Guidelines, 2015. Collection method: clinical testing. Allele origin: germline.
Comment: The COL18A1 c.3042C>T variant is not predicted to result in an amino acid change (p.=). This variant is predicted to impact splicing based on available splicing prediction programs (SpliceAI, Jaganathan et al. 2019. PubMed ID: 30661751). To our knowledge, this variant has not been reported in the literature. This variant is present in 0.026% of alleles in individuals of African descent in gnomAD. At this time, the clinical significance of this variant is uncertain due to the absence of conclusive functional and genetic evidence.